The following is an entry in ClinVar:

ClinVar aggregate classification (germline): Uncertain significance. Review status: criteria provided, multiple submitters, no conflicts (2 of 4 stars). 2 submissions from 2 submitters: Uncertain significance (2). Last evaluated 2024-11-12.

Conditions:
Retinitis pigmentosa 46 (RP46). Also called: RETINITIS PIGMENTOSA, AUTOSOMAL RECESSIVE, IDH3B-RELATED. Identifiers: Orphanet 791, MedGen C2675496, MONDO:0012943, OMIM 612572.

Allele frequency attached by ClinVar (database versions not stated): ESP Exome Variant Server 0.00008.

Submissions (2):

Revvity Omics, Revvity
Classification: Uncertain significance for Retinitis pigmentosa 46. Last evaluated: 2024-11-12. Review status: criteria provided, single submitter. Criteria: ACMG Guidelines, 2015. Collection method: clinical testing. Allele origin: germline.

Labcorp Genetics (formerly Invitae), Labcorp
Classification: Uncertain significance. Last evaluated: 2020-03-10. Review status: criteria provided, single submitter. Criteria: Invitae Variant Classification Sherloc (09022015). Collection method: clinical testing. Allele origin: germline.
Comment: This sequence change replaces serine with threonine at codon 385 of the IDH3B protein (p.Ser385Thr). The serine residue is weakly conserved and there is a small physicochemical difference between serine and threonine. This variant is not present in population databases (ExAC no frequency). This variant has not been reported in the literature in individuals with IDH3B-related conditions. Algorithms developed to predict the effect of missense changes on protein structure and function are either unavailable or do not agree on the potential impact of this missense change (SIFT: Not Available; PolyPhen-2: "Benign"; Align-GVGD: Not Available). In summary, the available evidence is currently insufficient to determine the role of this variant in disease. Therefore, it has been classified as a Variant of Uncertain Significance.

NM_006899.5(IDH3B):c.1154G>C (p.Ser385Thr)

Gene: IDH3B (isocitrate dehydrogenase (NAD(+)) 3 non-catalytic subunit beta; minus strand). Cytogenetic location: 20p13.
Variant type: single nucleotide variant.
Coding change: c.1154G>C on transcript NM_006899.5 (MANE Select); coding-DNA position 1154, G replaced by C.
Protein change: p.Ser385Thr; replaces serine 385 with threonine.
Molecular consequence: missense variant. On other transcripts: non-coding transcript variant (1), intron variant (2).
Genome position (GRCh38, 1-based): chr20:2,658,755, C>G on the plus strand (G>C on the coding strand, the complement: IDH3B is on the minus strand). VCF-style: chr20-2658755-C-G. GRCh37 (hg19) VCF-style: chr20-2639401-C-G.
Other names: c.1072-233G>C (NM_174855.4); c.1150+4G>C (NM_001330763.2); short protein forms S385T.
Identifiers: ClinVar variation 1046476 (VCV001046476.8), dbSNP rs369372221, ClinGen allele CA310878661.
Genomic context (GRCh38, chr20:2,658,755, plus strand): 5'-TGCACTGAAGGGTATGGGGAGTGTGGTCCTTGCAAGGTTGGAAGAAATAAAGGGCTCTAG[C>G]TCCCTTTAGTCTGCAGGTGACCGATGACAGACTTGATGAAGTCGGTTGTGGTGCTGTAGC-3'
Protein context (NP_008830.2, residues 375-385): SVIGHLQTKG[Ser385Thr]